The following is an entry in ClinVar:

NM_005591.4(MRE11):c.437G>T (p.Cys146Phe)

Gene: MRE11 (MRE11 double strand break repair nuclease; minus strand). Cytogenetic location: 11q21.
Variant type: single nucleotide variant.
Coding change: c.437G>T on transcript NM_005591.4 (MANE Select); coding-DNA position 437, G replaced by T.
Protein change: p.Cys146Phe; replaces cysteine 146 with phenylalanine.
Molecular consequence: missense variant.
Genome position (GRCh38, 1-based): chr11:94,478,842, C>A on the plus strand (G>T on the coding strand, the complement: MRE11 is on the minus strand). VCF-style: chr11-94478842-C-A. GRCh37 (hg19) VCF-style: chr11-94212008-C-A.
Other names: c.437G>T, p.Cys146Phe (NM_001330347.2, NM_005590.4); short protein forms C146F.
Identifiers: ClinVar variation 483641 (VCV000483641.5), dbSNP rs1555015227, ClinGen allele CA382377684.

ClinVar aggregate classification (germline): Uncertain significance (1 of 4 stars; one submission).

Conditions:
Hereditary cancer-predisposing syndrome. Also called: Neoplastic Syndromes, Hereditary; Tumor predisposition; Hereditary Cancer Syndrome; Hereditary neoplastic syndrome. Identifiers: Orphanet 140162, MedGen C0027672, MeSH D009386, MONDO:0015356.

Submission:

Ambry Genetics
Classification: Uncertain significance for Hereditary cancer-predisposing syndrome. Last evaluated: 2017-02-10. Review status: criteria provided, single submitter. Criteria: Ambry Variant Classification Scheme 2023. Collection method: clinical testing. Allele origin: germline.
Comment: The p.C146F variant (also known as c.437G>T), located in coding exon 5 of the MRE11A gene, results from a G to T substitution at nucleotide position 437. The cysteine at codon 146 is replaced by phenylalanine, an amino acid with highly dissimilar properties. This amino acid position is highly conserved through mammals, but not in all available vertebrate species. In addition, the in silico prediction for this alteration is inconclusive. Since supporting evidence is limited at this time, the clinical significance of this alteration remains unclear.